The following is an entry in ClinVar:

NM_001927.4(DES):c.1255C>T (p.Pro419Ser)

Gene: DES (desmin; plus strand). Cytogenetic location: 2q35.
Variant type: single nucleotide variant.
Coding change: c.1255C>T on transcript NM_001927.4 (MANE Select); coding-DNA position 1255, C replaced by T.
Protein change: p.Pro419Ser; replaces proline 419 with serine.
Molecular consequence: missense variant.
Genome position (GRCh38, 1-based): chr2:219,423,787, C>T. VCF-style: chr2-219423787-C-T. GRCh37 (hg19) VCF-style: chr2-220288509-C-T.
Other names: c.1255C>T (LRG_380t1); short protein forms P419S.
Identifiers: ClinVar variation 39718 (VCV000039718.18), dbSNP rs62635763, ClinGen allele CA217034.

ClinVar aggregate classification (germline): Pathogenic/Likely pathogenic. Review status: criteria provided, multiple submitters, no conflicts (2 of 4 stars). 7 submissions from 7 submitters: Pathogenic (2); Likely pathogenic (2). 3 of the submissions do not count toward it. Last evaluated 2025-05-17.

Conditions:
Desmin-related myofibrillar myopathy (MFM1). Also called: Desminopathy; MYOFIBRILLAR MYOPATHY WITH ARRHYTHMOGENIC RIGHT VENTRICULAR CARDIOMYOPATHY; DESMIN-RELATED MYOPATHY WITH ARRHYTHMOGENIC RIGHT VENTRICULAR CARDIOMYOPATHY; Myofibrillar myopathy 1; Desmin related myopathy (former name); Desmin storage myopathy (former name). Identifiers: Orphanet 363543, Orphanet 98909, MedGen C1832370, MONDO:0011076, OMIM 601419.
Cardiovascular phenotype. Identifiers: MedGen CN230736.

Submissions (7):

Ambry Genetics
Classification: Likely pathogenic for Cardiovascular phenotype. Last evaluated: 2025-05-17. Review status: criteria provided, single submitter. Criteria: Ambry Variant Classification Scheme 2023. Collection method: clinical testing. Allele origin: germline.
Comment: The p.P419S variant (also known as c.1255C>T), located in coding exon 7 of the DES gene, results from a C to T substitution at nucleotide position 1255. The proline at codon 419 is replaced by serine, an amino acid with similar properties. This variant was identified in one or more individuals with features consistent with DES-related myopathy (Oliv&eacute; M et al. Neuromuscul Disord, 2007 Jun;17:443-50; Hedberg C et al. Eur J Hum Genet, 2012 Sep;20:984-5; Wahbi K et al. Neuromuscul Disord, 2012 Mar;22:211-8; Maerkens A et al. J Proteomics, 2013 Sep;90:14-27; Ripoll-Vera T et al. Rev Esp Cardiol (Engl Ed), 2015 Nov;68:1027-9; Silva AMS et al. J Neuropathol Exp Neurol, 2022 Aug;81:746-757; Wang Q et al. J Neuromuscul Dis, 2024 Nov;11:1247-1259) and segregated with disease in at least one family (Oliv&eacute; M et al. Neuromuscul Disord, 2007 Jun;17:443-50; Hedberg C et al. Eur J Hum Genet, 2013 Jun;21:590; Ripoll-Vera T et al. Rev Esp Cardiol (Engl Ed), 2015 Nov;68:1027-9). In an assay testing DES function, this variant showed a functionally abnormal result (Brodehl A et al. Eur J Hum Genet, 2013 Jun;21:589-90). This variant is considered to be rare based on population cohorts in the Genome Aggregation Database (gnomAD). This amino acid position is highly conserved in available vertebrate species. In addition, this alteration is predicted to be deleterious by in silico analysis. Based on the majority of available evidence to date, this variant is likely to be pathogenic.

Labcorp Genetics (formerly Invitae), Labcorp
Classification: Pathogenic for Desmin-related myofibrillar myopathy. Last evaluated: 2019-12-12. Review status: criteria provided, single submitter. Criteria: Invitae Variant Classification Sherloc (09022015). Collection method: clinical testing. Allele origin: germline.
Comment: For these reasons, this variant has been classified as Pathogenic. Experimental studies have shown that this missense change forms filaments and does not induce aggregation in cell lines (PMID: 23032110). This variant has been observed to segregate with autosomal dominant desminopathies in several families (PMID:17418574, 22153487, 22395865, 26431784). ClinVar contains an entry for this variant (Variation ID: 39718). This variant is not present in population databases (ExAC no frequency). This sequence change replaces proline with serine at codon 419 of the DES protein (p.Pro419Ser). The proline residue is highly conserved and there is a moderate physicochemical difference between proline and serine.

Eurofins Ntd Llc (ga)
Classification: Likely pathogenic. Last evaluated: 2016-03-07. Review status: criteria provided, single submitter. Criteria: EGL Classification Definitions 2015. Collection method: clinical testing. Allele origin: germline. Observed: 2 variant alleles, 2 heterozygotes.

Neuberg Centre For Genomic Medicine, NCGM
Classification: Pathogenic for Desmin-related myofibrillar myopathy. Review status: criteria provided, single submitter. Criteria: ACMG Guidelines, 2015. Collection method: clinical testing. Allele origin: germline. Inheritance: Autosomal dominant inheritance. Affected: yes.
Comment: The missense variant p.P419S in DES (NM_001927.4) has been previously reported in multiple patients with autosomal dominant desminopathies (Olivé M et al,Wahbi K et al). Functional studies reveal a damaging effect (Brodehl A et al). The variant has been submitted to ClinVar as Pathogenic.The p.P419S variant is novel (not in any individuals) in gnomAD Exomes and is novel (not in any individuals) in 1000 Genomes. There is a moderate physicochemical difference between proline and serine. The p.P419S missense variant is predicted to be damaging by both SIFT and PolyPhen2. The proline residue at codon 419 of DES is conserved in all mammalian species. The nucleotide c.1255 in DES is predicted conserved by GERP++ and PhyloP across 100 vertebrates. For these reasons, this variant has been classified as Pathogenic.

Department of Rehabilitation Medicine, Incheon St. Mary’s Hospital, College of Medicine, The Catholic University of Korea
Classification: Pathogenic for Desmin-related myofibrillar myopathy. Last evaluated: 2019-02-11. Review status: no assertion criteria provided. Collection method: research. Allele origin: unknown. Inheritance: Autosomal dominant inheritance. Affected: yes. Observed: 1 heterozygote. Not counted in ClinVar's aggregate classification.

OMIM
Classification: Pathogenic for MYOPATHY, MYOFIBRILLAR, 1. Last evaluated: 2012-09-01. Review status: no assertion criteria provided. Collection method: literature only. Allele origin: germline. Not counted in ClinVar's aggregate classification.

Epithelial Biology;  Institute of Medical Biology, Singapore
No classification provided. Review status: no classification provided. Collection method: not provided. Allele origin: not provided. Not counted in ClinVar's aggregate classification.

Literature cited by the submitters: PubMed 17418574 (cited by Ambry Genetics and Labcorp Genetics (formerly Invitae), Labcorp); PubMed 22153487 (cited by Ambry Genetics and Labcorp Genetics (formerly Invitae), Labcorp); PubMed 22395865 (cited by 3 submitters); PubMed 23032110 (cited by Ambry Genetics and Labcorp Genetics (formerly Invitae), Labcorp); PubMed 23032113 (cited by Ambry Genetics); PubMed 23639843 (cited by Ambry Genetics); PubMed 26431784 (cited by Ambry Genetics and Labcorp Genetics (formerly Invitae), Labcorp); PubMed 35898174 (cited by Ambry Genetics); PubMed 39973468 (cited by Ambry Genetics); PubMed 10970245 (cited by OMIM).